The following is an entry in ClinVar:

ClinVar aggregate classification (germline): Uncertain significance. Review status: criteria provided, multiple submitters, no conflicts (2 of 4 stars). 2 submissions from 2 submitters: Uncertain significance (2). Last evaluated 2024-09-16.

Conditions:
Hereditary cancer-predisposing syndrome. Also called: Hereditary neoplastic syndrome; Tumor predisposition; Neoplastic Syndromes, Hereditary; Hereditary Cancer Syndrome. Identifiers: Orphanet 140162, MedGen C0027672, MeSH D009386, MONDO:0015356.

Submissions (2):

Ambry Genetics
Classification: Uncertain significance for Hereditary cancer-predisposing syndrome. Last evaluated: 2024-09-16. Review status: criteria provided, single submitter. Criteria: Ambry Variant Classification Scheme 2023. Collection method: clinical testing. Allele origin: germline.
Comment: The p.S903T variant (also known as c.2708G>C), located in coding exon 20 of the MSH3 gene, results from a G to C substitution at nucleotide position 2708. The serine at codon 903 is replaced by threonine, an amino acid with similar properties. This amino acid position is conserved. In addition, this alteration is predicted to be deleterious by in silico analysis. Based on the available evidence, the clinical significance of this variant remains unclear.

Labcorp Genetics (formerly Invitae), Labcorp
Classification: Uncertain significance. Last evaluated: 2022-01-14. Review status: criteria provided, single submitter. Criteria: Invitae Variant Classification Sherloc (09022015). Collection method: clinical testing. Allele origin: germline.
Comment: In summary, the available evidence is currently insufficient to determine the role of this variant in disease. Therefore, it has been classified as a Variant of Uncertain Significance. Algorithms developed to predict the effect of missense changes on protein structure and function are either unavailable or do not agree on the potential impact of this missense change (SIFT: "Deleterious"; PolyPhen-2: "Probably Damaging"; Align-GVGD: "Class C0"). This variant has not been reported in the literature in individuals affected with MSH3-related conditions. This variant is not present in population databases (gnomAD no frequency). This sequence change replaces serine, which is neutral and polar, with threonine, which is neutral and polar, at codon 903 of the MSH3 protein (p.Ser903Thr).

NM_002439.5(MSH3):c.2708G>C (p.Ser903Thr)

Gene: MSH3 (mutS homolog 3; plus strand). Cytogenetic location: 5q14.1.
Variant type: single nucleotide variant.
Coding change: c.2708G>C on transcript NM_002439.5 (MANE Select); coding-DNA position 2708, G replaced by C.
Protein change: p.Ser903Thr; replaces serine 903 with threonine.
Molecular consequence: missense variant.
Genome position (GRCh38, 1-based): chr5:80,813,636, G>C. VCF-style: chr5-80813636-G-C. GRCh37 (hg19) VCF-style: chr5-80109455-G-C.
Other names: c.2708G>C (NM_002439.3); short protein forms S903T.
Identifiers: ClinVar variation 1350359 (VCV001350359.9), dbSNP rs2112054268, ClinGen allele CA360273914.